The following is an entry in ClinVar:

ClinVar aggregate classification (germline): Uncertain significance (1 of 4 stars; one submission).

Submission:

Labcorp Genetics (formerly Invitae), Labcorp
Classification: Uncertain significance. Last evaluated: 2025-12-21. Review status: criteria provided, single submitter. Criteria: Invitae Variant Classification Sherloc (09022015). Collection method: clinical testing. Allele origin: germline.
Comment: This sequence change replaces serine, which is neutral and polar, with alanine, which is neutral and non-polar, at codon 67 of the SMARCB1 protein (p.Ser67Ala). This variant is not present in population databases (gnomAD no frequency). This variant has not been reported in the literature in individuals affected with SMARCB1-related conditions. An algorithm developed to predict the effect of missense changes on protein structure and function (PolyPhen-2) suggests that this variant is likely to be tolerated. In summary, the available evidence is currently insufficient to determine the role of this variant in disease. Therefore, it has been classified as a Variant of Uncertain Significance.

NM_003073.5(SMARCB1):c.199T>G (p.Ser67Ala)

Gene: SMARCB1 (SWI/SNF related BAF chromatin remodeling complex subunit B1; plus strand). Cytogenetic location: 22q11.23.
Variant type: single nucleotide variant.
Coding change: c.199T>G on transcript NM_003073.5 (MANE Select); coding-DNA position 199, T replaced by G.
Protein change: p.Ser67Ala; replaces serine 67 with alanine.
Molecular consequence: missense variant.
Genome position (GRCh38, 1-based): chr22:23,791,861, T>G. VCF-style: chr22-23791861-T-G. GRCh37 (hg19) VCF-style: chr22-24134048-T-G.
Other names: c.199T>G, p.Ser67Ala (NM_001007468.3, NM_001317946.2, NM_001362877.2); short protein forms S67A.
Identifiers: ClinVar variation 4733777 (VCV004733777.1).